The following is an entry in ClinVar:

NM_014795.4(ZEB2):c.1147G>C (p.Glu383Gln)

Gene: ZEB2 (zinc finger E-box binding homeobox 2; minus strand). Cytogenetic location: 2q22.3.
Variant type: single nucleotide variant.
Coding change: c.1147G>C on transcript NM_014795.4 (MANE Select); coding-DNA position 1147, G replaced by C.
Protein change: p.Glu383Gln; replaces glutamic acid 383 with glutamine.
Molecular consequence: missense variant.
Genome position (GRCh38, 1-based): chr2:144,400,040, C>G on the plus strand (G>C on the coding strand, the complement: ZEB2 is on the minus strand). VCF-style: chr2-144400040-C-G. GRCh37 (hg19) VCF-style: chr2-145157607-C-G.
Other names: c.1075G>C, p.Glu359Gln (NM_001171653.2); short protein forms E383Q, E359Q.
Identifiers: ClinVar variation 3650642 (VCV003650642.2).

ClinVar aggregate classification (germline): Uncertain significance (1 of 4 stars; one submission).

Conditions:
Mowat-Wilson syndrome (MOWS). Also called: Classic Mowat-Wilson Syndrome. Identifiers: Orphanet 2152, MedGen C1856113, MONDO:0009341, OMIM 235730.

Submission:

Labcorp Genetics (formerly Invitae), Labcorp
Classification: Uncertain significance for Mowat-Wilson syndrome. Last evaluated: 2024-04-24. Review status: criteria provided, single submitter. Criteria: Invitae Variant Classification Sherloc (09022015). Collection method: clinical testing. Allele origin: germline.
Comment: This sequence change replaces glutamic acid, which is acidic and polar, with glutamine, which is neutral and polar, at codon 383 of the ZEB2 protein (p.Glu383Gln). This variant is not present in population databases (gnomAD no frequency). This variant has not been reported in the literature in individuals affected with ZEB2-related conditions. Advanced modeling of protein sequence and biophysical properties (such as structural, functional, and spatial information, amino acid conservation, physicochemical variation, residue mobility, and thermodynamic stability) performed at Invitae indicates that this missense variant is expected to disrupt ZEB2 protein function with a positive predictive value of 80%. In summary, the available evidence is currently insufficient to determine the role of this variant in disease. Therefore, it has been classified as a Variant of Uncertain Significance.